The following is an entry in ClinVar:

NM_000548.5(TSC2):c.849-8A>G

Gene: TSC2 (TSC complex subunit 2; plus strand). Cytogenetic location: 16p13.3.
Variant type: single nucleotide variant.
Coding change: c.849-8A>G on transcript NM_000548.5 (MANE Select); 8 bases into the intron before coding-DNA position 849, A replaced by G.
Molecular consequence: intron variant.
Genome position (GRCh38, 1-based): chr16:2,058,739, A>G. VCF-style: chr16-2058739-A-G. GRCh37 (hg19) VCF-style: chr16-2108740-A-G.
Other names: c.849-8A>G (NM_000548.4, NM_001114382.3, NM_021055.3 and 4 more transcripts); c.738-8A>G (NM_001318827.2); c.249-8A>G (NM_001318831.2); c.702-8A>G (NM_001318829.2); c.882-8A>G (NM_001318832.2).
Identifiers: ClinVar variation 281378 (VCV000281378.36), dbSNP rs765336852, ClinGen allele CA056570.

ClinVar aggregate classification (germline): Conflicting classifications of pathogenicity. Review status: criteria provided, conflicting classifications (1 of 4 stars). 12 submissions from 12 submitters: Uncertain significance (3); Benign (6); Likely benign (3). Last evaluated 2026-01-02.

Conditions:
TSC2-related disorder. Also called: TSC2-related condition; TSC2-Related Disorders.
Tuberous sclerosis syndrome (TSC). Also called: Tuberous sclerosis; Tuberous Sclerosis Complex. Identifiers: Orphanet 805, MedGen C0041341, MONDO:0001734.
Tuberous sclerosis 2 (TSC2). Identifiers: Orphanet 805, MedGen C1860707, MONDO:0013199, OMIM 613254.

Allele frequency attached by ClinVar (database versions not stated): gnomAD 0.00001 and 0.00003; gnomAD exomes 0.00002 and 0.00011; TOPMed 0.00005; ExAC 0.00022.
gnomAD v4.1: 38 of 1,576,114 alleles (0.0024%); highest among the groups gnomAD compares: East Asian, 0.053%; no homozygotes.

Submissions (12):

Labcorp Genetics (formerly Invitae), Labcorp
Classification: Benign for Tuberous sclerosis 2. Last evaluated: 2026-01-02. Review status: criteria provided, single submitter. Criteria: Invitae Variant Classification Sherloc (09022015). Collection method: clinical testing. Allele origin: germline.

PreventionGenetics, part of Exact Sciences
Classification: Likely benign for TSC2-related condition. Last evaluated: 2025-07-26. Review status: criteria provided, single submitter. Criteria: ACMG Guidelines, 2015. Collection method: clinical testing. Allele origin: germline.
Comment: This variant is classified as likely benign based on ACMG/AMP sequence variant interpretation guidelines (Richards et al. 2015 PMID: 25741868, with internal and published modifications).

Myriad Genetics, Inc.
Classification: Benign for Tuberous sclerosis 2. Last evaluated: 2024-09-05. Review status: criteria provided, single submitter. Criteria: Myriad Autosomal Dominant, Autosomal Recessive and X-Linked Classification Criteria (2023). Collection method: clinical testing. Allele origin: unknown.
Comment: This variant is considered benign. This variant is intronic and is not expected to impact mRNA splicing. This variant has been observed at a population frequency that is significantly greater than expected given the associated disease prevalence and penetrance.

All of Us Research Program, National Institutes of Health
Classification: Benign for Tuberous sclerosis syndrome. Last evaluated: 2024-05-14. Review status: criteria provided, single submitter. Criteria: ACMG Guidelines, 2015. Collection method: clinical testing. Allele origin: germline. Inheritance: Autosomal dominant inheritance. Observed: 5 variant alleles, 5 heterozygotes.
Comment: This study involves interpretation of variants in research participants for the purpose of population health screening. Participant phenotype was not available at the time of variant classification. Additional details can be found in publication PMID: 35346344, PMCID: PMC8962531

Blueprint Genetics
Classification: Likely benign. Last evaluated: 2023-07-26. Review status: criteria provided, single submitter. Criteria: ACMG Guidelines, 2015. Collection method: clinical testing. Allele origin: germline.

Color Diagnostics, LLC DBA Color Health
Classification: Benign for Tuberous sclerosis syndrome. Last evaluated: 2022-09-22. Review status: criteria provided, single submitter. Criteria: ACMG Guidelines, 2015. Collection method: clinical testing. Allele origin: germline.

Genome-Nilou Lab
Classification: Benign for Tuberous sclerosis 2. Last evaluated: 2021-11-07. Review status: criteria provided, single submitter. Criteria: ACMG Guidelines, 2015. Collection method: clinical testing. Allele origin: germline. Affected: no.

ARUP Laboratories, Molecular Genetics and Genomics, ARUP Laboratories
Classification: Likely benign. Last evaluated: 2020-01-29. Review status: criteria provided, single submitter. Criteria: ARUP Molecular Germline Variant Investigation Process. Collection method: clinical testing. Allele origin: germline.

GeneDx
Classification: Benign. Last evaluated: 2019-11-21. Review status: criteria provided, single submitter. Criteria: GeneDx Variant Classification Process June 2021. Collection method: clinical testing. Allele origin: germline. Affected: yes.

Illumina Laboratory Services, Illumina
Classification: Uncertain significance for Tuberous sclerosis syndrome. Last evaluated: 2018-01-13. Review status: criteria provided, single submitter. Criteria: ICSL Variant Classification Criteria 13 December 2019. Collection method: clinical testing. Allele origin: germline.

Eurofins Ntd Llc (ga)
Classification: Uncertain significance. Last evaluated: 2015-06-23. Review status: criteria provided, single submitter. Criteria: EGL Classification Definitions 2015. Collection method: clinical testing. Allele origin: germline. Observed: 1 variant allele, 1 heterozygote.

Quest Diagnostics Nichols Institute San Juan Capistrano
Classification: Uncertain significance. Last evaluated: 2012-10-09. Review status: criteria provided, single submitter. Criteria: Quest Diagnostics criteria. Collection method: clinical testing. Allele origin: unknown.